The following is an entry in ClinVar:

NM_001267550.2(TTN):c.67241G>C (p.Arg22414Thr)

Genes: TTN (titin; minus strand), TTN-AS1 (TTN antisense RNA 1; plus strand). Cytogenetic location: 2q31.2.
Variant type: single nucleotide variant.
Coding change: c.67241G>C on transcript NM_001267550.2 (MANE Select); coding-DNA position 67241, G replaced by C.
Protein change: p.Arg22414Thr; replaces arginine 22414 with threonine.
Molecular consequence: missense variant.
Genome position (GRCh38, 1-based): chr2:178,580,046, C>G on the plus strand (G>C on the coding strand, the complement: TTN is on the minus strand). VCF-style: chr2-178580046-C-G. GRCh37 (hg19) VCF-style: chr2-179444773-C-G.
Other names: c.62318G>C, p.Arg20773Thr (NM_001256850.1); c.40046G>C, p.Arg13349Thr (NM_003319.4); c.59537G>C, p.Arg19846Thr (NM_133378.4); c.40421G>C, p.Arg13474Thr (NM_133432.3); c.40622G>C, p.Arg13541Thr (NM_133437.4); short protein forms R13349T, R13474T, R13541T, R19846T, R20773T, R22414T.
Identifiers: ClinVar variation 2651616 (VCV002651616.24), dbSNP rs2468910754, ClinGen allele CA349424181.

ClinVar aggregate classification (germline): Uncertain significance (1 of 4 stars; one submission).

Submission:

CeGaT Center for Human Genetics Tuebingen
Classification: Uncertain significance. Last evaluated: 2022-09-01. Review status: criteria provided, single submitter. Criteria: CeGaT Center For Human Genetics Tuebingen Variant Classification Criteria Version 2. Collection method: clinical testing. Allele origin: germline. Affected: yes. Observed: 1 variant allele.
Comment: TTN: PM2